The following is an entry in ClinVar:

ClinVar aggregate classification (germline): Uncertain significance (1 of 4 stars; one submission).

Conditions:
Chédiak-Higashi syndrome (CHS). Also called: Chediak-Higashi Syndrome. Identifiers: Orphanet 167, MedGen C0007965, MONDO:0008963, OMIM 214500.

Allele frequency attached by ClinVar (database versions not stated): gnomAD 0.00001; gnomAD exomes 0.00001; TOPMed 0.00001.
gnomAD v4.1: 19 of 1,613,818 alleles (0.0012%); highest among the groups gnomAD compares: Middle Eastern, 0.016%; no homozygotes.

Submission:

Labcorp Genetics (formerly Invitae), Labcorp
Classification: Uncertain significance for Chédiak-Higashi syndrome. Last evaluated: 2024-11-05. Review status: criteria provided, single submitter. Criteria: Invitae Variant Classification Sherloc (09022015). Collection method: clinical testing. Allele origin: germline.
Comment: This sequence change replaces histidine, which is basic and polar, with arginine, which is basic and polar, at codon 991 of the LYST protein (p.His991Arg). This variant is present in population databases (no rsID available, gnomAD 0.01%). This variant has not been reported in the literature in individuals affected with LYST-related conditions. ClinVar contains an entry for this variant (Variation ID: 2197769). Invitae Evidence Modeling of protein sequence and biophysical properties (such as structural, functional, and spatial information, amino acid conservation, physicochemical variation, residue mobility, and thermodynamic stability) indicates that this missense variant is not expected to disrupt LYST protein function with a negative predictive value of 80%. In summary, the available evidence is currently insufficient to determine the role of this variant in disease. Therefore, it has been classified as a Variant of Uncertain Significance.

NM_000081.4(LYST):c.2972A>G (p.His991Arg)

Gene: LYST (lysosomal trafficking regulator; minus strand). Cytogenetic location: 1q42.3.
Variant type: single nucleotide variant.
Coding change: c.2972A>G on transcript NM_000081.4 (MANE Select); coding-DNA position 2972, A replaced by G.
Protein change: p.His991Arg; replaces histidine 991 with arginine.
Molecular consequence: missense variant.
Genome position (GRCh38, 1-based): chr1:235,806,164, T>C on the plus strand (A>G on the coding strand, the complement: LYST is on the minus strand). VCF-style: chr1-235806164-T-C. GRCh37 (hg19) VCF-style: chr1-235969464-T-C.
Other names: c.2972A>G, p.His991Arg (NM_001301365.1); short protein forms H991R.
Identifiers: ClinVar variation 2197769 (VCV002197769.4), dbSNP rs978441504, ClinGen allele CA39616221.